The following is an entry in ClinVar:

ClinVar aggregate classification (germline): Uncertain significance (1 of 4 stars; one submission).

Allele frequency attached by ClinVar (database versions not stated): gnomAD exomes 0.00001; TOPMed 0.00001; ExAC 0.00011.
gnomAD v4.1: 14 of 1,513,880 alleles (0.00092%); highest among the groups gnomAD compares: Non-Finnish European, 0.0012%; no homozygotes.

Submission:

CeGaT Center for Human Genetics Tuebingen
Classification: Uncertain significance. Last evaluated: 2023-03-01. Review status: criteria provided, single submitter. Criteria: CeGaT Center For Human Genetics Tuebingen Variant Classification Criteria Version 2. Collection method: clinical testing. Allele origin: germline. Affected: yes. Observed: 1 variant allele.
Comment: SETD1B: PP2, BP5

NM_001353345.2(SETD1B):c.4198T>C (p.Ser1400Pro)

Gene: SETD1B (SET domain containing 1B, histone lysine methyltransferase; plus strand). Cytogenetic location: 12q24.31.
Variant type: single nucleotide variant.
Coding change: c.4198T>C on transcript NM_001353345.2 (MANE Select); coding-DNA position 4198, T replaced by C.
Protein change: p.Ser1400Pro; replaces serine 1400 with proline.
Molecular consequence: missense variant.
Genome position (GRCh38, 1-based): chr12:121,822,777, T>C. VCF-style: chr12-121822777-T-C. GRCh37 (hg19) VCF-style: chr12-122260683-T-C.
Other names: short protein forms S1400P.
Identifiers: ClinVar variation 2643469 (VCV002643469.24), dbSNP rs776301135, ClinGen allele CA6839158.